The following is an entry in ClinVar:

NM_000548.5(TSC2):c.4120C>T (p.Leu1374Phe)

Gene: TSC2 (TSC complex subunit 2; plus strand). Cytogenetic location: 16p13.3.
Variant type: single nucleotide variant.
Coding change: c.4120C>T on transcript NM_000548.5 (MANE Select); coding-DNA position 4120, C replaced by T.
Protein change: p.Leu1374Phe; replaces leucine 1374 with phenylalanine.
Molecular consequence: missense variant. On other transcripts: non-coding transcript variant (5).
Genome position (GRCh38, 1-based): chr16:2,084,342, C>T. VCF-style: chr16-2084342-C-T. GRCh37 (hg19) VCF-style: chr16-2134343-C-T.
Other names: c.3988C>T, p.Leu1330Phe (NM_001370404.1); c.3991C>T, p.Leu1331Phe (NM_001370405.1, NM_021055.3); c.4117C>T, p.Leu1373Phe (NM_001406663.1); c.4048C>T, p.Leu1350Phe (NM_001406664.1); c.4042C>T, p.Leu1348Phe (NM_001406665.1); c.4012C>T, p.Leu1338Phe (NM_001406667.1); c.4009C>T, p.Leu1337Phe (NM_001406668.1); c.3940C>T, p.Leu1314Phe (NM_001406670.1); and 26 more; short protein forms L1108F, L1259F, L1270F, L1288F, L1302F, L1314F, L1318F, L1337F.
Identifiers: ClinVar variation 2991778 (VCV002991778.5), dbSNP rs2544261169, ClinGen allele CA394299553.

ClinVar aggregate classification (germline): Uncertain significance. Review status: criteria provided, multiple submitters, no conflicts (2 of 4 stars). 3 submissions from 3 submitters: Uncertain significance (3). Last evaluated 2024-11-21.

Conditions:
Tuberous sclerosis 2 (TSC2). Identifiers: Orphanet 805, MedGen C1860707, MONDO:0013199, OMIM 613254.
Hereditary cancer-predisposing syndrome. Also called: Hereditary Cancer Syndrome; Hereditary neoplastic syndrome; Neoplastic Syndromes, Hereditary; Tumor predisposition. Identifiers: Orphanet 140162, MedGen C0027672, MeSH D009386, MONDO:0015356.
Tuberous sclerosis syndrome (TSC). Also called: Tuberous Sclerosis Complex; Tuberous sclerosis. Identifiers: Orphanet 805, MedGen C0041341, MONDO:0001734.

Submissions (3):

Ambry Genetics
Classification: Uncertain significance for Hereditary cancer-predisposing syndrome. Last evaluated: 2024-11-21. Review status: criteria provided, single submitter. Criteria: Ambry Variant Classification Scheme 2023. Collection method: clinical testing. Allele origin: germline.
Comment: The p.L1374F variant (also known as c.4120C>T), located in coding exon 33 of the TSC2 gene, results from a C to T substitution at nucleotide position 4120. The leucine at codon 1374 is replaced by phenylalanine, an amino acid with highly similar properties. This amino acid position is not well conserved in available vertebrate species. In addition, the in silico prediction for this alteration is inconclusive. Based on the available evidence, the clinical significance of this variant remains unclear.

All of Us Research Program, National Institutes of Health
Classification: Uncertain significance for Tuberous sclerosis syndrome. Last evaluated: 2023-10-06. Review status: criteria provided, single submitter. Criteria: ACMG Guidelines, 2015. Collection method: clinical testing. Allele origin: germline. Inheritance: Autosomal dominant inheritance. Observed: 1 variant allele, 1 heterozygote.
Comment: This missense variant replaces leucine with phenylalanine at codon 1374 of the TSC2 protein. Computational prediction suggests that this variant may not impact protein structure and function (internally defined REVEL score threshold <= 0.5, PMID: 27666373). To our knowledge, functional studies have not been reported for this variant. This variant has not been reported in individuals affected with TSC2-related disorders in the literature. This variant has not been identified in the general population by the Genome Aggregation Database (gnomAD). The available evidence is insufficient to determine the role of this variant in disease conclusively. Therefore, this variant is classified as a Variant of Uncertain Significance.

This study involves interpretation of variants in research participants for the purpose of population health screening. Participant phenotype was not available at the time of variant classification. Additional details can be found in publication PMID: 35346344, PMCID: PMC8962531

Labcorp Genetics (formerly Invitae), Labcorp
Classification: Uncertain significance for Tuberous sclerosis 2. Last evaluated: 2022-11-23. Review status: criteria provided, single submitter. Criteria: Invitae Variant Classification Sherloc (09022015). Collection method: clinical testing. Allele origin: germline.
Comment: This sequence change replaces leucine, which is neutral and non-polar, with phenylalanine, which is neutral and non-polar, at codon 1374 of the TSC2 protein (p.Leu1374Phe). This variant is not present in population databases (gnomAD no frequency). This variant has not been reported in the literature in individuals affected with TSC2-related conditions. Advanced modeling of protein sequence and biophysical properties (such as structural, functional, and spatial information, amino acid conservation, physicochemical variation, residue mobility, and thermodynamic stability) performed at Invitae indicates that this missense variant is not expected to disrupt TSC2 protein function. In summary, the available evidence is currently insufficient to determine the role of this variant in disease. Therefore, it has been classified as a Variant of Uncertain Significance.